The following is an entry in ClinVar:

NM_024678.6(NARS2):c.1027-1412A>G

Gene: NARS2 (asparaginyl-tRNA synthetase 2, mitochondrial; minus strand). Cytogenetic location: 11q14.1.
Variant type: single nucleotide variant.
Coding change: c.1027-1412A>G on transcript NM_024678.6 (MANE Select); 1412 bases into the intron before coding-DNA position 1027, A replaced by G.
Molecular consequence: intron variant.
Genome position (GRCh38, 1-based): chr11:78,467,425, T>C on the plus strand (A>G on the coding strand, the complement: NARS2 is on the minus strand). VCF-style: chr11-78467425-T-C. GRCh37 (hg19) VCF-style: chr11-78178471-T-C.
Other names: c.346-1412A>G (NM_001243251.2).
Identifiers: ClinVar variation 2582897 (VCV002582897.25), dbSNP rs149626388, ClinGen allele CA225100387.

ClinVar aggregate classification (germline): Benign (1 of 4 stars; one submission).

Allele frequency attached by ClinVar (database versions not stated): 1000 Genomes Project 0.00459; 1000 Genomes Project 30x 0.00468.

Submission:

CeGaT Center for Human Genetics Tuebingen
Classification: Benign. Last evaluated: 2026-09-01. Review status: criteria provided, single submitter. Criteria: CeGaT Center For Human Genetics Tuebingen Variant Classification Criteria Version 2. Collection method: clinical testing. Allele origin: germline. Affected: yes. Observed: 39 variant alleles.
Comment: NARS2: BS1, BS2